The following is an entry in ClinVar:

NM_001127511.3(APC):c.-113del

Gene: APC (APC regulator of Wnt signaling pathway; plus strand). Cytogenetic location: 5q22.2.
Variant type: Deletion.
Coding change: c.-113del on transcript NM_001127511.3; 113 bases upstream of the start codon, one base deleted (A; older notation c.-113delA).
Molecular consequence: 5 prime UTR variant. On other transcripts: non-coding transcript variant (2).
Genome position (GRCh38, 1-based): chr5:112,707,605, A deleted. VCF-style (leftmost placement, unchanged base first): chr5-112707604-CA-C. GRCh37 (hg19) VCF-style: chr5-112043301-CA-C.
Other names: c.-296del (NM_001354895.2, NM_001407447.1, NM_001407452.1 and 3 more transcripts); c.-113del (NM_001354897.2, NM_001354902.2, NM_001407446.1); c.-63del (NM_001407448.1, NM_001407450.1, NM_001407457.1 and 1 more transcripts); c.-87del (NM_001407453.1); c.-1331del (NM_001407470.1, NM_001407472.1).
Identifiers: ClinVar variation 2054603 (VCV002054603.4), dbSNP rs2531736505, ClinGen allele CA2580072301.

ClinVar aggregate classification (germline): Uncertain significance (1 of 4 stars; one submission).

Conditions:
Familial adenomatous polyposis 1 (FAP1). Also called: FAMILIAL ADENOMATOUS POLYPOSIS 1, ATTENUATED; POLYPOSIS, ADENOMATOUS INTESTINAL. Identifiers: MedGen C2713442, MONDO:0021056, OMIM 175100. Disease mechanism: loss of function.

Submission:

Labcorp Genetics (formerly Invitae), Labcorp
Classification: Uncertain significance for Familial adenomatous polyposis 1. Last evaluated: 2023-10-16. Review status: criteria provided, single submitter. Criteria: Invitae Variant Classification Sherloc (09022015). Collection method: clinical testing. Allele origin: germline.
Comment: This variant occurs in a non-coding region of the APC gene. It does not change the encoded amino acid sequence of the APC protein. This variant is not present in population databases (gnomAD no frequency). This variant has not been reported in the literature in individuals affected with APC-related conditions. Experimental studies and prediction algorithms are not available or were not evaluated, and the functional significance of this variant is currently unknown. In summary, the available evidence is currently insufficient to determine the role of this variant in disease. Therefore, it has been classified as a Variant of Uncertain Significance.